The following is an entry in ClinVar:

GRCh38/hg38 Yp11.32-11.2(chrY:10679-1339321)x0

Genes: CNE-2 (CNE-2 enhancer upstream of SHOX; plus strand), CNE-3 (CNE-3 enhancer upstream of SHOX; plus strand), CNE-5 (CNE-5 enhancer upstream of SHOX; plus strand), CNE4 (CNE4 enhancer downstream of SHOX; plus strand), CNE5 (CNE5 enhancer downstream of SHOX; plus strand) and 16 more. Cytogenetic location: Yp11.32-11.2.
Variant type: copy number loss.
Change: copy number 0 of chrY:10,679-1,339,321 (1.33 Mb, GRCh38 coordinates, 1-based), cytogenetic band Yp11.32-11.2.
Identifiers: ClinVar variation 57250 (VCV000057250.1).

ClinVar aggregate classification (germline): Pathogenic (1 of 4 stars; one submission).

Submission:

ISCA site 4
Classification: Pathogenic. Last evaluated: 2011-08-12. Review status: criteria provided, single submitter. Criteria: Kaminsky et al. (Genet Med. 2011). Collection method: clinical testing. Allele origin: de novo. Affected: yes. Observed: 1 variant allele.
Comment: Copy number variation identified through the course of routine clinical cytogenomic testing in postnatal populations. Clinical assertions have been curated as described in Kaminsky et al. 2011.